The following is an entry in ClinVar:

NM_001002295.2(GATA3):c.924+1G>A

Gene: GATA3 (GATA binding protein 3; plus strand). Cytogenetic location: 10p14.
Variant type: single nucleotide variant.
Coding change: c.924+1G>A on transcript NM_001002295.2 (MANE Select); the canonical splice donor site of the intron after coding-DNA position 924, G replaced by A.
Molecular consequence: splice donor variant.
Genome position (GRCh38, 1-based): chr10:8,064,139, G>A. VCF-style: chr10-8064139-G-A. GRCh37 (hg19) VCF-style: chr10-8106102-G-A.
Other names: c.921+1G>A (NM_002051.3).
Identifiers: ClinVar variation 1805229 (VCV001805229.7), dbSNP rs111283999, ClinGen allele CA375973895.

ClinVar aggregate classification (germline): Pathogenic/Likely pathogenic. Review status: criteria provided, multiple submitters, no conflicts (2 of 4 stars). 3 submissions from 3 submitters: Pathogenic (1); Likely pathogenic (2). Last evaluated 2022-09-02.

Conditions:
Hypoparathyroidism, deafness, renal disease syndrome (HDRS). Also called: HYPOPARATHYROIDISM, SENSORINEURAL DEAFNESS, AND RENAL DYSPLASIA SYNDROME. Identifiers: Orphanet 2237, MedGen C1840333, MONDO:0007797, OMIM 146255.

Submissions (3):

Victorian Clinical Genetics Services, Murdoch Childrens Research Institute
Classification: Pathogenic for Hypoparathyroidism, deafness, renal disease syndrome. Last evaluated: 2022-09-02. Review status: criteria provided, single submitter. Criteria: ACMG Guidelines, 2015. Collection method: clinical testing. Allele origin: germline. Inheritance: Autosomal dominant inheritance. Affected: yes.
Comment: Based on the classification scheme VCGS_Germline_v1.3.4, this variant is classified as Pathogenic. Following criteria are met: 0103 - Loss of function is a known mechanism of disease in this gene and is associated with hypoparathyroidism, sensorineural deafness, and renal dysplasia (MIM#146255). In addition dominant-negative has been proven for a single missense variant (PMID: 21120445). (I) 0107 - This gene is associated with autosomal dominant disease. (I) 0115 - Variants in this gene are known to have variable expressivity. Both inter and intra-familial variability have been reported (OMIM). (I) 0211 - Canonical splice site variant without proven consequence on splicing (no functional evidence available). (SP) 0251 - This variant is heterozygous. (I) 0301 - Variant is absent from gnomAD (both v2 and v3). (SP) 0505 - Abnormal splicing is predicted by in silico tools and affected nucleotide is highly conserved. (SP) 0703 - Other canonical splice site variants comparable to the one identified in this case have limited previous evidence for pathogenicity. Two different splice site variants have been reported in two unrelated families, each with two affected individuals with hypoparathyroidism, sensorineural deafness, with/without renal dysplasia (MIM#146255) (PMID: 16912130, 27387476). (SP) 0807 - This variant has no previous evidence of pathogenicity. A pathogenic classification was noted in LOVD however, no further information was provided and therefore, it was not considered in this classification. (I) 0905 - No published segregation evidence has been identified for this variant. (I) 1007 - No published functional evidence has been identified for this variant. (SP) Legend: (SP) - Supporting pathogenic, (I) - Information, (SB) - Supporting benign

Labcorp Genetics (formerly Invitae), Labcorp
Classification: Likely pathogenic. Last evaluated: 2022-08-29. Review status: criteria provided, single submitter. Criteria: Invitae Variant Classification Sherloc (09022015). Collection method: clinical testing. Allele origin: germline.
Comment: In summary, the currently available evidence indicates that the variant is pathogenic, but additional data are needed to prove that conclusively. Therefore, this variant has been classified as Likely Pathogenic. Algorithms developed to predict the effect of sequence changes on RNA splicing suggest that this variant may disrupt the consensus splice site. This variant has not been reported in the literature in individuals affected with GATA3-related conditions. This variant is not present in population databases (gnomAD no frequency). This sequence change affects a donor splice site in intron 4 of the GATA3 gene. It is expected to disrupt RNA splicing. Variants that disrupt the donor or acceptor splice site typically lead to a loss of protein function (PMID: 16199547), and loss-of-function variants in GATA3 are known to be pathogenic (PMID: 14985365, 21242646).

Clinical Genetics Service, Universitary Hospital 12 de Octubre
Classification: Likely pathogenic for Hypoparathyroidism, deafness, renal disease syndrome. Review status: criteria provided, single submitter. Criteria: ACMG Guidelines, 2015. Collection method: clinical testing. Allele origin: germline. Affected: yes.

Literature cited by the submitters: PubMed 16912130 (cited by Victorian Clinical Genetics Services, Murdoch Childrens Research Institute); PubMed 21120445 (cited by Victorian Clinical Genetics Services, Murdoch Childrens Research Institute); PubMed 27387476 (cited by Victorian Clinical Genetics Services, Murdoch Childrens Research Institute); PubMed 16199547 (cited by Labcorp Genetics (formerly Invitae), Labcorp); PubMed 14985365 (cited by Labcorp Genetics (formerly Invitae), Labcorp); PubMed 21242646 (cited by Labcorp Genetics (formerly Invitae), Labcorp).